The following is an entry in ClinVar:

ClinVar aggregate classification (germline): Uncertain significance. Review status: criteria provided, multiple submitters, no conflicts (2 of 4 stars). 2 submissions from 2 submitters: Uncertain significance (2). Last evaluated 2025-12-02.

Conditions:
Inborn genetic diseases. Identifiers: MedGen C0950123, MeSH D030342.
Methylcobalamin deficiency type cblE (HMAE). Also called: HOMOCYSTINURIA-MEGALOBLASTIC ANEMIA, cblE COMPLEMENTATION TYPE; HOMOCYSTINURIA-MEGALOBLASTIC ANEMIA, cblE TYPE; VITAMIN B12-RESPONSIVE HOMOCYSTINURIA, cblE TYPE. Identifiers: Orphanet 2169, Orphanet 622, MedGen C1856057, MONDO:0009354, OMIM 236270.

Allele frequency attached by ClinVar (database versions not stated): gnomAD exomes 0.00001 and 0.00002; ExAC 0.00003.
gnomAD v4.1: 8 of 1,613,800 alleles (0.0005%); highest among the groups gnomAD compares: Admixed American, 0.0083%; no homozygotes.

Submissions (2):

Ambry Genetics
Classification: Uncertain significance for Inborn genetic diseases. Last evaluated: 2025-12-02. Review status: criteria provided, single submitter. Criteria: Ambry Variant Classification Scheme 2023. Collection method: clinical testing. Allele origin: germline.

Labcorp Genetics (formerly Invitae), Labcorp
Classification: Uncertain significance for Methylcobalamin deficiency type cblE. Last evaluated: 2025-01-23. Review status: criteria provided, single submitter. Criteria: Invitae Variant Classification Sherloc (09022015). Collection method: clinical testing. Allele origin: germline.
Comment: This sequence change replaces asparagine, which is neutral and polar, with serine, which is neutral and polar, at codon 106 of the MTRR protein (p.Asn106Ser). This variant is present in population databases (rs763568058, gnomAD 0.01%). This variant has not been reported in the literature in individuals affected with MTRR-related conditions. ClinVar contains an entry for this variant (Variation ID: 1404946). Invitae Evidence Modeling of protein sequence and biophysical properties (such as structural, functional, and spatial information, amino acid conservation, physicochemical variation, residue mobility, and thermodynamic stability) indicates that this missense variant is not expected to disrupt MTRR protein function with a negative predictive value of 80%. In summary, the available evidence is currently insufficient to determine the role of this variant in disease. Therefore, it has been classified as a Variant of Uncertain Significance.

NM_002454.3(MTRR):c.317A>G (p.Asn106Ser)

Gene: MTRR (5-methyltetrahydrofolate-homocysteine methyltransferase reductase; plus strand). Cytogenetic location: 5p15.31.
Variant type: single nucleotide variant.
Coding change: c.317A>G on transcript NM_002454.3 (MANE Select); coding-DNA position 317, A replaced by G.
Protein change: p.Asn106Ser; replaces asparagine 106 with serine.
Molecular consequence: missense variant. On other transcripts: non-coding transcript variant (14).
Genome position (GRCh38, 1-based): chr5:7,875,291, A>G. VCF-style: chr5-7875291-A-G. GRCh37 (hg19) VCF-style: chr5-7875404-A-G.
Other names: c.317A>G, p.Asn106Ser (NM_001364440.2, NM_001364441.2, NM_001364442.2 and 1 more transcripts); c.317A>G (NM_002454.2); short protein forms N106S.
Identifiers: ClinVar variation 1404946 (VCV001404946.6), dbSNP rs763568058, ClinGen allele CA3195561.